The following is an entry in ClinVar:

NM_002693.3(POLG):c.638T>C (p.Val213Ala)

Genes: POLG (DNA polymerase gamma, catalytic subunit; minus strand), POLGARF (POLG alternative reading frame; minus strand). Cytogenetic location: 15q26.1.
Variant type: single nucleotide variant.
Coding change: c.638T>C on transcript NM_002693.3 (MANE Select); coding-DNA position 638, T replaced by C.
Protein change: p.Val213Ala; replaces valine 213 with alanine.
Molecular consequence: missense variant.
Genome position (GRCh38, 1-based): chr15:89,333,117, A>G on the plus strand (T>C on the coding strand, the complement: POLG is on the minus strand). VCF-style: chr15-89333117-A-G. GRCh37 (hg19) VCF-style: chr15-89876348-A-G.
Other names: c.638T>C, p.Val213Ala (NM_001126131.2); short protein forms V213A.
Identifiers: ClinVar variation 1020677 (VCV001020677.9), dbSNP rs1596362016, ClinGen allele CA393770232.

ClinVar aggregate classification (germline): Uncertain significance (1 of 4 stars; one submission).

Conditions:
Progressive sclerosing poliodystrophy (MTDPS4A). Also called: ALPERS PROGRESSIVE INFANTILE POLIODYSTROPHY; ALPERS DIFFUSE DEGENERATION OF CEREBRAL GRAY MATTER WITH HEPATIC CIRRHOSIS; Alpers-Huttenlocher Syndrome; NEURONAL DEGENERATION OF CHILDHOOD WITH LIVER DISEASE, PROGRESSIVE; Alpers Syndrome; Mitochondrial DNA Depletion Syndrome 4A. Identifiers: Orphanet 726, MedGen C0205710, MONDO:0008758, OMIM 203700.

Submission:

Labcorp Genetics (formerly Invitae), Labcorp
Classification: Uncertain significance for Progressive sclerosing poliodystrophy. Last evaluated: 2024-09-28. Review status: criteria provided, single submitter. Criteria: Invitae Variant Classification Sherloc (09022015). Collection method: clinical testing. Allele origin: germline.
Comment: This sequence change replaces valine, which is neutral and non-polar, with alanine, which is neutral and non-polar, at codon 213 of the POLG protein (p.Val213Ala). This variant is not present in population databases (gnomAD no frequency). This variant has not been reported in the literature in individuals affected with POLG-related conditions. ClinVar contains an entry for this variant (Variation ID: 1020677). Invitae Evidence Modeling of protein sequence and biophysical properties (such as structural, functional, and spatial information, amino acid conservation, physicochemical variation, residue mobility, and thermodynamic stability) indicates that this missense variant is not expected to disrupt POLG protein function with a negative predictive value of 95%. In summary, the available evidence is currently insufficient to determine the role of this variant in disease. Therefore, it has been classified as a Variant of Uncertain Significance.